The following is an entry in ClinVar:

NM_000038.6(APC):c.3627A>G (p.Glu1209=)

Gene: APC (APC regulator of Wnt signaling pathway; plus strand). Cytogenetic location: 5q22.2.
Variant type: single nucleotide variant.
Coding change: c.3627A>G on transcript NM_000038.6 (MANE Select); coding-DNA position 3627, A replaced by G.
Protein change: p.Glu1209=; no amino-acid change (glutamic acid 1209 retained).
Molecular consequence: synonymous variant. On other transcripts: non-coding transcript variant (2).
Genome position (GRCh38, 1-based): chr5:112,839,221, A>G. VCF-style: chr5-112839221-A-G. GRCh37 (hg19) VCF-style: chr5-112174918-A-G.
Other names: c.3627A>G, p.Glu1209= (NM_001127510.3, NM_001354895.2, NM_001407450.1); c.3573A>G, p.Glu1191= (NM_001127511.3); c.3681A>G, p.Glu1227= (NM_001354896.2, NM_001407447.1, NM_001407448.1 and 1 more transcripts); c.3657A>G, p.Glu1219= (NM_001354897.2); c.3552A>G, p.Glu1184= (NM_001354898.2); c.3543A>G, p.Glu1181= (NM_001354899.2); c.3504A>G, p.Glu1168= (NM_001354900.2); c.3450A>G, p.Glu1150= (NM_001354901.2, NM_001407453.1); and 11 more.
Identifiers: ClinVar variation 3148739 (VCV003148739.1), dbSNP rs1765478583, ClinGen allele CA445963772.
Genomic context (GRCh38, chr5:112,839,221, plus strand): 5'-ATCACAGAAACAGTCATTTTCATTCTCAAAGAGTTCATCTGGACAAAGCAGTAAAACCGA[A>G]CATATGTCTTCAAGCAGTGAGAATACGTCCACACCTTCATCTAATGCCAAGAGGCAGAAT-3'
Protein context (NP_000029.2, residues 1199-1219): KSSSGQSSKT[Glu1209=]HMSSSSENTS

ClinVar aggregate classification (germline): Benign (1 of 4 stars; one submission).

Conditions:
Familial adenomatous polyposis 1 (FAP1). Also called: POLYPOSIS, ADENOMATOUS INTESTINAL; FAMILIAL ADENOMATOUS POLYPOSIS 1, ATTENUATED. Identifiers: MedGen C2713442, MONDO:0021056, OMIM 175100. Disease mechanism: loss of function.

Submission:

Myriad Genetics, Inc.
Classification: Benign for Familial adenomatous polyposis 1. Last evaluated: 2024-03-21. Review status: criteria provided, single submitter. Criteria: Myriad Autosomal Dominant, Autosomal Recessive and X-Linked Classification Criteria (2023). Collection method: clinical testing. Allele origin: unknown.
Comment: This variant is considered benign. This variant is a silent/synonymous amino acid change and it is not expected to impact splicing.